The following is an entry in ClinVar:

ClinVar aggregate classification (germline): Uncertain significance (1 of 4 stars; one submission).

Conditions:
Fetal akinesia deformation sequence 1 (FADS1). Also called: Pena-Shokeir syndrome type I; Fetal akinesia sequence. Identifiers: Orphanet 994, MedGen C1276035, MONDO:0100101, OMIM 208150, HP:0001989.
Congenital myasthenic syndrome 10. Also called: Myasthenia, limb-girdle, familial. Identifiers: Orphanet 590, MedGen C1850792, MONDO:0009690, OMIM 254300.

Submission:

Labcorp Genetics (formerly Invitae), Labcorp
Classification: Uncertain significance for Congenital myasthenic syndrome 10; Fetal akinesia deformation sequence 1. Last evaluated: 2022-07-06. Review status: criteria provided, single submitter. Criteria: Invitae Variant Classification Sherloc (09022015). Collection method: clinical testing. Allele origin: germline.
Comment: This sequence change replaces glycine, which is neutral and non-polar, with aspartic acid, which is acidic and polar, at codon 478 of the DOK7 protein (p.Gly478Asp). This variant is not present in population databases (gnomAD no frequency). This variant has not been reported in the literature in individuals affected with DOK7-related conditions. ClinVar contains an entry for this variant (Variation ID: 1519160). Algorithms developed to predict the effect of missense changes on protein structure and function (SIFT, PolyPhen-2, Align-GVGD) all suggest that this variant is likely to be tolerated. In summary, the available evidence is currently insufficient to determine the role of this variant in disease. Therefore, it has been classified as a Variant of Uncertain Significance.

NM_173660.5(DOK7):c.1433G>A (p.Gly478Asp)

Gene: DOK7 (docking protein 7; plus strand). Cytogenetic location: 4p16.3.
Variant type: single nucleotide variant.
Coding change: c.1433G>A on transcript NM_173660.5 (MANE Select); coding-DNA position 1433, G replaced by A.
Protein change: p.Gly478Asp; replaces glycine 478 with aspartic acid.
Molecular consequence: missense variant. On other transcripts: 3 prime UTR variant (1).
Genome position (GRCh38, 1-based): chr4:3,493,419, G>A. VCF-style: chr4-3493419-G-A. GRCh37 (hg19) VCF-style: chr4-3495146-G-A.
Other names: c.*654G>A (NM_001164673.2); c.503G>A, p.Gly168Asp (NM_001256896.2); c.1433G>A, p.Gly478Asp (NM_001301071.2); c.1001G>A, p.Gly334Asp (NM_001363811.2); short protein forms G334D, G478D, G168D.
Identifiers: ClinVar variation 1519160 (VCV001519160.5), dbSNP rs2109422552, ClinGen allele CA356117961.
Genomic context (GRCh38, chr4:3,493,419, plus strand): 5'-CCCCCCAGGGCAGCGAGGCCACACTGCCTGGCCCTGCCCCTGGCGAGCCCTGGGAAGCAG[G>A]CGGCCCCCACGCGGGGCCACCCCCGGCTTTCTTTTCGGCATGTCCAGTCTGTGGAGGACT-3'
Protein context (NP_775931.3, residues 468-488): GPAPGEPWEA[Gly478Asp]GPHAGPPPAF